The following is an entry in ClinVar:

ClinVar aggregate classification (germline): Uncertain significance (1 of 4 stars; one submission).

Conditions:
Primary ciliary dyskinesia. Also called: Ciliary dyskinesia. Identifiers: Orphanet 244, MedGen C0008780, MONDO:0016575, HP:0012265.

Submission:

Labcorp Genetics (formerly Invitae), Labcorp
Classification: Uncertain significance for Primary ciliary dyskinesia. Last evaluated: 2023-06-09. Review status: criteria provided, single submitter. Criteria: Invitae Variant Classification Sherloc (09022015). Collection method: clinical testing. Allele origin: germline.
Comment: In summary, the available evidence is currently insufficient to determine the role of this variant in disease. Therefore, it has been classified as a Variant of Uncertain Significance. Advanced modeling of protein sequence and biophysical properties (such as structural, functional, and spatial information, amino acid conservation, physicochemical variation, residue mobility, and thermodynamic stability) performed at Invitae indicates that this missense variant is not expected to disrupt DNAH5 protein function. This variant has not been reported in the literature in individuals affected with DNAH5-related conditions. This variant is not present in population databases (gnomAD no frequency). This sequence change replaces valine, which is neutral and non-polar, with phenylalanine, which is neutral and non-polar, at codon 2001 of the DNAH5 protein (p.Val2001Phe).

NM_001369.3(DNAH5):c.6001G>T (p.Val2001Phe)

Gene: DNAH5 (dynein axonemal heavy chain 5; minus strand). Cytogenetic location: 5p15.2.
Variant type: single nucleotide variant.
Coding change: c.6001G>T on transcript NM_001369.3 (MANE Select); coding-DNA position 6001, G replaced by T.
Protein change: p.Val2001Phe; replaces valine 2001 with phenylalanine.
Molecular consequence: missense variant.
Genome position (GRCh38, 1-based): chr5:13,830,657, C>A on the plus strand (G>T on the coding strand, the complement: DNAH5 is on the minus strand). VCF-style: chr5-13830657-C-A. GRCh37 (hg19) VCF-style: chr5-13830766-C-A.
Other names: short protein forms V2001F.
Identifiers: ClinVar variation 2837614 (VCV002837614.3), dbSNP rs769656114, ClinGen allele CA359202525.